The following is an entry in ClinVar:

NM_021096.4(CACNA1I):c.2936G>C (p.Gly979Ala)

Gene: CACNA1I (calcium voltage-gated channel subunit alpha1 I; plus strand). Cytogenetic location: 22q13.1.
Variant type: single nucleotide variant.
Coding change: c.2936G>C on transcript NM_021096.4 (MANE Select); coding-DNA position 2936, G replaced by C.
Protein change: p.Gly979Ala; replaces glycine 979 with alanine.
Molecular consequence: missense variant.
Genome position (GRCh38, 1-based): chr22:39,661,999, G>C. VCF-style: chr22-39661999-G-C. GRCh37 (hg19) VCF-style: chr22-40058004-G-C.
Other names: c.2831G>C, p.Gly944Ala (NM_001003406.2); short protein forms G944A, G979A.
Identifiers: ClinVar variation 1722834 (VCV001722834.2), dbSNP rs1481778150, ClinGen allele CA411655205.

ClinVar aggregate classification (germline): Uncertain significance (1 of 4 stars; one submission).

Allele frequency attached by ClinVar (database versions not stated): TOPMed 0.00002.

Submission:

GeneDx
Classification: Uncertain significance. Last evaluated: 2022-05-03. Review status: criteria provided, single submitter. Criteria: GeneDx Variant Classification Process June 2021. Collection method: clinical testing. Allele origin: germline. Affected: yes.
Comment: Not observed at significant frequency in large population cohorts (gnomAD); In silico analysis supports that this missense variant has a deleterious effect on protein structure/function; Has not been previously published as pathogenic or benign to our knowledge